The following is an entry in ClinVar:

NM_001267550.2(TTN):c.38161G>T (p.Val12721Leu)

Gene: TTN (titin; minus strand). Cytogenetic location: 2q31.2.
Variant type: single nucleotide variant.
Coding change: c.38161G>T on transcript NM_001267550.2 (MANE Select); coding-DNA position 38161, G replaced by T.
Protein change: p.Val12721Leu; replaces valine 12721 with leucine.
Molecular consequence: missense variant. On other transcripts: intron variant (4).
Genome position (GRCh38, 1-based): chr2:178,654,790, C>A on the plus strand (G>T on the coding strand, the complement: TTN is on the minus strand). VCF-style: chr2-178654790-C-A. GRCh37 (hg19) VCF-style: chr2-179519517-C-A.
Other names: p.V12721L:GTG>TTG; c.38161G>T (LRG_391t1); c.13283-12473G>T (NM_003319.4); c.13859-12473G>T (NM_133437.4); c.13658-12473G>T (NM_133432.3); c.31742-2249G>T (NM_133378.4); c.34523-2249G>T (NM_001256850.1); short protein forms V12721L.
Identifiers: ClinVar variation 202595 (VCV000202595.4), dbSNP rs794729416, ClinGen allele CA309701.

ClinVar aggregate classification (germline): Conflicting classifications of pathogenicity. Review status: criteria provided, conflicting classifications (1 of 4 stars). 3 submissions from 3 submitters: Uncertain significance (1); Likely benign (2). Last evaluated 2025-04-09.

Conditions:
Dilated cardiomyopathy 1G (CMD1G). Identifiers: Orphanet 154, MedGen C1858763, MONDO:0011400, OMIM 604145.
Autosomal recessive limb-girdle muscular dystrophy type 2J (LGMDR10). Also called: MUSCULAR DYSTROPHY, LIMB-GIRDLE, AUTOSOMAL RECESSIVE 10; Limb-girdle muscular dystrophy, type 2J. Identifiers: Orphanet 140922, MedGen C1837342, MONDO:0012127, OMIM 608807.

Allele frequency attached by ClinVar (database versions not stated): gnomAD exomes 0.00006.

Submissions (3):

Molecular Diagnostic Laboratory for Inherited Cardiovascular Disease, Montreal Heart Institute
Classification: Likely benign. Last evaluated: 2025-04-09. Review status: criteria provided, single submitter. Criteria: ACMG Guidelines, 2015. Collection method: clinical testing. Allele origin: germline. Affected: no.

Labcorp Genetics (formerly Invitae), Labcorp
Classification: Uncertain significance for Dilated cardiomyopathy 1G; Autosomal recessive limb-girdle muscular dystrophy type 2J. Last evaluated: 2017-12-12. Review status: criteria provided, single submitter. Criteria: Invitae Variant Classification Sherloc (09022015). Collection method: clinical testing. Allele origin: germline.

GeneDx
Classification: Likely benign. Last evaluated: 2017-07-20. Review status: criteria provided, single submitter. Criteria: GeneDx Variant Classification (06012015). Collection method: clinical testing. Allele origin: germline. Affected: yes.
Comment: This variant is considered likely benign or benign based on one or more of the following criteria: it is a conservative change, it occurs at a poorly conserved position in the protein, it is predicted to be benign by multiple in silico algorithms, and/or has population frequency not consistent with disease.